The following is an entry in ClinVar:

NM_002230.4(JUP):c.2146A>G (p.Met716Val)

Gene: JUP (junction plakoglobin; minus strand). Cytogenetic location: 17q21.2.
Variant type: single nucleotide variant.
Coding change: c.2146A>G on transcript NM_002230.4 (MANE Select); coding-DNA position 2146, A replaced by G.
Protein change: p.Met716Val; replaces methionine 716 with valine.
Molecular consequence: missense variant.
Genome position (GRCh38, 1-based): chr17:41,755,836, T>C on the plus strand (A>G on the coding strand, the complement: JUP is on the minus strand). VCF-style: chr17-41755836-T-C. GRCh37 (hg19) VCF-style: chr17-39912088-T-C.
Other names: c.2146A>G, p.Met716Val (NM_001352773.2, NM_001352774.2, NM_001352775.2 and 3 more transcripts); short protein forms M716V.
Identifiers: ClinVar variation 1786652 (VCV001786652.4), dbSNP rs1319143037, ClinGen allele CA399490578.

ClinVar aggregate classification (germline): Uncertain significance. Review status: criteria provided, multiple submitters, no conflicts (2 of 4 stars). 2 submissions from 2 submitters: Uncertain significance (2). Last evaluated 2024-08-06.

Conditions:
Cardiovascular phenotype. Identifiers: MedGen CN230736.
Arrhythmogenic right ventricular dysplasia 12. Also called: ARRHYTHMOGENIC RIGHT VENTRICULAR DYSPLASIA, FAMILIAL, 12. Identifiers: MedGen C1969081, MONDO:0012684, OMIM 611528.
Naxos disease (NXD). Also called: CARDIOMYOPATHY, ARRHYTHMOGENIC RIGHT VENTRICULAR, WITH SKIN, HAIR, AND NAIL ABNORMALITIES; KERATOSIS PALMOPLANTARIS WITH ARRHYTHMOGENIC CARDIOMYOPATHY; MAL DE NAXOS; PALMOPLANTAR KERATODERMA WITH ARRHYTHMOGENIC RIGHT VENTRICULAR CARDIOMYOPATHY AND WOOLLY HAIR; WOOLLY HAIR, PALMOPLANTAR KERATODERMA, AND CARDIAC ABNORMALITIES. Identifiers: Orphanet 34217, MedGen C1832600, MONDO:0011017, OMIM 601214.

Submissions (2):

Labcorp Genetics (formerly Invitae), Labcorp
Classification: Uncertain significance for Arrhythmogenic right ventricular dysplasia 12; Naxos disease. Last evaluated: 2024-08-06. Review status: criteria provided, single submitter. Criteria: Invitae Variant Classification Sherloc (09022015). Collection method: clinical testing. Allele origin: germline.
Comment: This sequence change replaces methionine, which is neutral and non-polar, with valine, which is neutral and non-polar, at codon 716 of the JUP protein (p.Met716Val). This variant is not present in population databases (gnomAD no frequency). This variant has not been reported in the literature in individuals affected with JUP-related conditions. ClinVar contains an entry for this variant (Variation ID: 1786652). An algorithm developed to predict the effect of missense changes on protein structure and function (PolyPhen-2) suggests that this variant is likely to be tolerated. In summary, the available evidence is currently insufficient to determine the role of this variant in disease. Therefore, it has been classified as a Variant of Uncertain Significance.

Ambry Genetics
Classification: Uncertain significance for Cardiovascular phenotype. Last evaluated: 2020-06-30. Review status: criteria provided, single submitter. Criteria: Ambry Variant Classification Scheme 2023. Collection method: clinical testing. Allele origin: germline.
Comment: The p.M716V variant (also known as c.2146A>G), located in coding exon 13 of the JUP gene, results from an A to G substitution at nucleotide position 2146. The methionine at codon 716 is replaced by valine, an amino acid with highly similar properties. This amino acid position is highly conserved in available vertebrate species. In addition, this alteration is predicted to be tolerated by in silico analysis. Since supporting evidence is limited at this time, the clinical significance of this alteration remains unclear.